The following is an entry in ClinVar:

ClinVar aggregate classification (germline): Likely pathogenic (1 of 4 stars; one submission).

Allele frequency attached by ClinVar (database versions not stated): gnomAD exomes 0.00009; ExAC 0.00015; 1000 Genomes Project 30x 0.00031.
gnomAD v4.1: 75 of 1,608,960 alleles (0.0047%); highest among the groups gnomAD compares: South Asian, 0.079%; no homozygotes.

Submission:

Labcorp Genetics (formerly Invitae), Labcorp
Classification: Likely pathogenic. Last evaluated: 2023-06-09. Review status: criteria provided, single submitter. Criteria: Invitae Variant Classification Sherloc (09022015). Collection method: clinical testing. Allele origin: germline.
Comment: In summary, the currently available evidence indicates that the variant is pathogenic, but additional data are needed to prove that conclusively. Therefore, this variant has been classified as Likely Pathogenic. This sequence change affects an acceptor splice site in intron 11 of the C7 gene. It is expected to disrupt RNA splicing. Variants that disrupt the donor or acceptor splice site typically lead to a loss of protein function (PMID: 16199547), and loss-of-function variants in C7 are known to be pathogenic (PMID: 9856499, 17407100). This variant is present in population databases (rs778313738, gnomAD 0.08%). This variant has not been reported in the literature in individuals affected with C7-related conditions. ClinVar contains an entry for this variant (Variation ID: 1478195). Algorithms developed to predict the effect of sequence changes on RNA splicing suggest that this variant may disrupt the consensus splice site.

Literature cited by the submitters: PubMed 16199547; PubMed 9856499; PubMed 17407100.

NM_000587.4(C7):c.1490-2A>T

Gene: C7 (complement C7; plus strand). Cytogenetic location: 5p13.1.
Variant type: single nucleotide variant.
Coding change: c.1490-2A>T on transcript NM_000587.4 (MANE Select); the canonical splice acceptor site of the intron before coding-DNA position 1490, A replaced by T.
Molecular consequence: splice acceptor variant.
Genome position (GRCh38, 1-based): chr5:40,959,447, A>T. VCF-style: chr5-40959447-A-T. GRCh37 (hg19) VCF-style: chr5-40959549-A-T.
Identifiers: ClinVar variation 1478195 (VCV001478195.7), dbSNP rs778313738, ClinGen allele CA3250000.